The following is an entry in ClinVar:

ClinVar aggregate classification (germline): Conflicting classifications of pathogenicity. Review status: criteria provided, conflicting classifications (1 of 4 stars). 2 submissions from 2 submitters: Uncertain significance (1); Likely benign (1). Last evaluated 2025-10-21.

Conditions:
Hypertrophic cardiomyopathy. Also called: HYPERTROPHIC MYOCARDIOPATHY. Identifiers: Orphanet 217569, MedGen C0007194, MeSH D002312, MONDO:0005045, HP:0001639.

Allele frequency attached by ClinVar (database versions not stated): gnomAD exomes 0.00001; ExAC 0.00002; gnomAD 0.00003.

Submissions (2):

Labcorp Genetics (formerly Invitae), Labcorp
Classification: Uncertain significance for Hypertrophic cardiomyopathy. Last evaluated: 2025-10-21. Review status: criteria provided, single submitter. Criteria: Invitae Variant Classification Sherloc (09022015). Collection method: clinical testing. Allele origin: germline.
Comment: This sequence change falls in intron 10 of the MYH7 gene. It does not directly change the encoded amino acid sequence of the MYH7 protein. It affects a nucleotide within the consensus splice site. This variant is present in population databases (rs752594622, gnomAD 0.02%). This variant has not been reported in the literature in individuals affected with MYH7-related conditions. ClinVar contains an entry for this variant (Variation ID: 2715912). Variants that disrupt the consensus splice site are a relatively common cause of aberrant splicing (PMID: 17576681, 9536098). Algorithms developed to predict the effect of sequence changes on RNA splicing suggest that this variant is not likely to affect RNA splicing. In summary, the available evidence is currently insufficient to determine the role of this variant in disease. Therefore, it has been classified as a Variant of Uncertain Significance.

Blueprint Genetics
Classification: Likely benign. Last evaluated: 2021-06-21. Review status: criteria provided, single submitter. Criteria: ACMG Guidelines, 2015. Collection method: clinical testing. Allele origin: germline.

Literature cited by the submitters: PubMed 17576681 (cited by Labcorp Genetics (formerly Invitae), Labcorp); PubMed 9536098 (cited by Labcorp Genetics (formerly Invitae), Labcorp).

NM_000257.4(MYH7):c.896-3T>C

Gene: MYH7 (myosin heavy chain 7; minus strand). Cytogenetic location: 14q11.2.
Variant type: single nucleotide variant.
Coding change: c.896-3T>C on transcript NM_000257.4 (MANE Select); 3 bases into the intron before coding-DNA position 896, T replaced by C.
Molecular consequence: intron variant.
Genome position (GRCh38, 1-based): chr14:23,430,666, A>G on the plus strand (T>C on the coding strand, the complement: MYH7 is on the minus strand). VCF-style: chr14-23430666-A-G. GRCh37 (hg19) VCF-style: chr14-23899875-A-G.
Other names: c.896-3T>C (NM_001407004.1).
Identifiers: ClinVar variation 2715912 (VCV002715912.3), dbSNP rs752594622, ClinGen allele CA049577.